The following is an entry in ClinVar:

NM_024757.5(EHMT1):c.2842C>T (p.Arg948Trp)

Gene: EHMT1 (euchromatic histone lysine methyltransferase 1; plus strand). Cytogenetic location: 9q34.3.
Variant type: single nucleotide variant.
Coding change: c.2842C>T on transcript NM_024757.5 (MANE Select); coding-DNA position 2842, C replaced by T.
Protein change: p.Arg948Trp; replaces arginine 948 with tryptophan.
Molecular consequence: missense variant.
Genome position (GRCh38, 1-based): chr9:137,811,590, C>T. VCF-style: chr9-137811590-C-T. GRCh37 (hg19) VCF-style: chr9-140706042-C-T.
Other names: c.2821C>T, p.Arg941Trp (NM_001354263.2); c.2842C>T (NM_024757.4); short protein forms R941W, R948W.
Identifiers: ClinVar variation 1450360 (VCV001450360.11), dbSNP rs368702408, ClinGen allele CA201841593.

ClinVar aggregate classification (germline): Conflicting classifications of pathogenicity. Review status: criteria provided, conflicting classifications (1 of 4 stars). 4 submissions from 4 submitters: Pathogenic (2); Uncertain significance (2). Last evaluated 2025-01-17.

Conditions:
Kleefstra syndrome 1 (KLEFS1). Identifiers: Orphanet 261494, MedGen C0795833, MONDO:0027407, OMIM 610253.

Allele frequency attached by ClinVar (database versions not stated): gnomAD 0.00001; ESP Exome Variant Server 0.00008; TOPMed below 0.00001.

Submissions (4):

3billion
Classification: Uncertain significance for Kleefstra syndrome 1. Last evaluated: 2025-01-17. Review status: criteria provided, single submitter. Criteria: ACMG Guidelines, 2015. Collection method: clinical testing. Allele origin: germline. Affected: yes.
Comment: The variant is observed at an extremely low frequency in the gnomAD v4.1.0 dataset (total allele frequency: <0.001%). Predicted Consequence/Location: Missense variant. The majority of the known disease-causing variants of this gene are variants expected to result in premature termination of the protein. Damaging effect on gene or gene product predicted by in silico programs is uncertain [REVEL: 0.49 (damaging >=0.6, benign <0.4), 3Cnet: 0.02 (damaging >=0.6, benign <0.15)]. The same nucleotide change resulting in the same amino acid change has been previously reported to be associated with EHMT1-related disorder (PMID: 26633542). Therefore, this variant is classified as VUS according to the recommendation of ACMG/AMP guideline.

Victorian Clinical Genetics Services, Murdoch Childrens Research Institute
Classification: Pathogenic for Kleefstra syndrome 1. Last evaluated: 2023-07-16. Review status: criteria provided, single submitter. Criteria: ACMG Guidelines, 2015. Collection method: clinical testing. Allele origin: germline. Inheritance: Autosomal dominant inheritance. Affected: yes.
Comment: Based on the classification scheme VCGS_Germline_v1.3.4, this variant is classified as Pathogenic. Following criteria are met: 0102 - Loss of function is a known mechanism of disease in this gene and is associated with Kleefstra syndrome 1 (MIM#610253). (I) 0107 - This gene is associated with autosomal dominant disease. (I) 0200 - Variant is predicted to result in a missense amino acid change from arginine to tryptophan. (I) 0251 - This variant is heterozygous. (I) 0302 - Variant is present in gnomAD (v3) <0.001 for a dominant condition (1 heterozygote, 0 homozygotes). (SP) 0309 - An alternative amino acid change at the same position has been observed in gnomAD (v2) (1 heterozygote, 0 homozygotes). (I) 0501 - Missense variant consistently predicted to be damaging by multiple in silico tools or highly conserved with a major amino acid change. (SP) 0600 - Variant is located in the annotated third ankyrin repeat domain (DECIPHER). (I) 0710 - Another missense variant comparable to the one identified in this case has inconclusive previous evidence for pathogenicity. p.(Arg948Gln) has been classified as a VUS by a clinical laboratory in ClinVar who observed the variant as de novo. (I) 0801 - This variant has strong previous evidence of pathogenicity in unrelated individuals. This variant has been classified as pathogenic in the literature where it was observed as de novo in an individual with Kleefstra syndrome (PMID: 2663354, Vargas 2018). This variant has also been classified as a VUS by a clinical laboratory in ClinVar. (I) 0905 - No published segregation evidence has been identified for this variant. (I) 1007 - No published functional evidence has been identified for this variant. (SP) Legend: (SP) - Supporting pathogenic, (I) - Information, (SB) - Supporting benign

Labcorp Genetics (formerly Invitae), Labcorp
Classification: Uncertain significance for Kleefstra syndrome 1. Last evaluated: 2022-06-27. Review status: criteria provided, single submitter. Criteria: Invitae Variant Classification Sherloc (09022015). Collection method: clinical testing. Allele origin: germline.
Comment: In summary, the available evidence is currently insufficient to determine the role of this variant in disease. Therefore, it has been classified as a Variant of Uncertain Significance. Algorithms developed to predict the effect of missense changes on protein structure and function (SIFT, PolyPhen-2, Align-GVGD) all suggest that this variant is likely to be disruptive. This missense change has been observed in individual(s) with multiple congenital anomalies (PMID: 26633542). This variant is not present in population databases (gnomAD no frequency). This sequence change replaces arginine, which is basic and polar, with tryptophan, which is neutral and slightly polar, at codon 948 of the EHMT1 protein (p.Arg948Trp).

Laboratory of Genetics, Children's Clinical University Hospital Latvia
Classification: Pathogenic for Kleefstra syndrome 1. Review status: criteria provided, single submitter. Criteria: ACMG Guidelines, 2015. Collection method: curation. Allele origin: de novo. Affected: yes.
Comment: de novo

Literature cited by the submitters: PubMed 26633542 (cited by 3 submitters); PubMed 2663354 (cited by Victorian Clinical Genetics Services, Murdoch Childrens Research Institute); PubMed 39013458 (cited by Laboratory of Genetics, Children's Clinical University Hospital Latvia).